The following is an entry in ClinVar:

NM_000143.4(FH):c.721C>G (p.Pro241Ala)

Gene: FH (fumarate hydratase; minus strand). Cytogenetic location: 1q43.
Variant type: single nucleotide variant.
Coding change: c.721C>G on transcript NM_000143.4 (MANE Select); coding-DNA position 721, C replaced by G.
Protein change: p.Pro241Ala; replaces proline 241 with alanine.
Molecular consequence: missense variant.
Genome position (GRCh38, 1-based): chr1:241,508,620, G>C on the plus strand (C>G on the coding strand, the complement: FH is on the minus strand). VCF-style: chr1-241508620-G-C. GRCh37 (hg19) VCF-style: chr1-241671920-G-C.
Other names: short protein forms P241A.
Identifiers: ClinVar variation 937472 (VCV000937472.10), dbSNP rs1349419396, ClinGen allele CA345439175.

ClinVar aggregate classification (germline): Uncertain significance (1 of 4 stars; one submission).

Submission:

Labcorp Genetics (formerly Invitae), Labcorp
Classification: Uncertain significance. Last evaluated: 2024-05-21. Review status: criteria provided, single submitter. Criteria: Invitae Variant Classification Sherloc (09022015). Collection method: clinical testing. Allele origin: germline.
Comment: This sequence change replaces proline, which is neutral and non-polar, with alanine, which is neutral and non-polar, at codon 241 of the FH protein (p.Pro241Ala). This variant is not present in population databases (gnomAD no frequency). This variant has not been reported in the literature in individuals affected with FH-related conditions. ClinVar contains an entry for this variant (Variation ID: 937472). Advanced modeling of protein sequence and biophysical properties (such as structural, functional, and spatial information, amino acid conservation, physicochemical variation, residue mobility, and thermodynamic stability) performed at Invitae indicates that this missense variant is expected to disrupt FH protein function with a positive predictive value of 95%. In summary, the available evidence is currently insufficient to determine the role of this variant in disease. Therefore, it has been classified as a Variant of Uncertain Significance.